The following is an entry in ClinVar:

ClinVar aggregate classification (germline): Uncertain significance (1 of 4 stars; one submission).

Allele frequency attached by ClinVar (database versions not stated): gnomAD exomes below 0.00001; TOPMed below 0.00001; gnomAD 0.00001.

Submission:

Labcorp Genetics (formerly Invitae), Labcorp
Classification: Uncertain significance. Last evaluated: 2020-12-03. Review status: criteria provided, single submitter. Criteria: Invitae Variant Classification Sherloc (09022015). Collection method: clinical testing. Allele origin: germline.
Comment: In summary, the available evidence is currently insufficient to determine the role of this variant in disease. Therefore, it has been classified as a Variant of Uncertain Significance. Algorithms developed to predict the effect of missense changes on protein structure and function are either unavailable or do not agree on the potential impact of this missense change (SIFT: "Deleterious"; PolyPhen-2: "Benign"; Align-GVGD: "Class C0"). This variant has not been reported in the literature in individuals with SLC25A19-related conditions. This variant is not present in population databases (ExAC no frequency). This sequence change replaces threonine with alanine at codon 181 of the SLC25A19 protein (p.Thr181Ala). The threonine residue is highly conserved and there is a small physicochemical difference between threonine and alanine.

NM_001126121.2(SLC25A19):c.541A>G (p.Thr181Ala)

Gene: SLC25A19 (solute carrier family 25 member 19; minus strand). Cytogenetic location: 17q25.1.
Variant type: single nucleotide variant.
Coding change: c.541A>G on transcript NM_001126121.2 (MANE Select); coding-DNA position 541, A replaced by G.
Protein change: p.Thr181Ala; replaces threonine 181 with alanine.
Molecular consequence: missense variant.
Genome position (GRCh38, 1-based): chr17:75,278,254, T>C on the plus strand (A>G on the coding strand, the complement: SLC25A19 is on the minus strand). VCF-style: chr17-75278254-T-C. GRCh37 (hg19) VCF-style: chr17-73274335-T-C.
Other names: c.541A>G, p.Thr181Ala (NM_001126122.2, NM_021734.5); short protein forms T181A.
Identifiers: ClinVar variation 1394668 (VCV001394668.8), dbSNP rs2077945912, ClinGen allele CA401003968.